The following is an entry in ClinVar:

NM_001080449.3(DNA2):c.389T>C (p.Ile130Thr)

Gene: DNA2 (DNA replication helicase/nuclease 2; minus strand). Cytogenetic location: 10q21.3.
Variant type: single nucleotide variant.
Coding change: c.389T>C on transcript NM_001080449.3 (MANE Select); coding-DNA position 389, T replaced by C.
Protein change: p.Ile130Thr; replaces isoleucine 130 with threonine.
Molecular consequence: missense variant. On other transcripts: non-coding transcript variant (1).
Genome position (GRCh38, 1-based): chr10:68,468,175, A>G on the plus strand (T>C on the coding strand, the complement: DNA2 is on the minus strand). VCF-style: chr10-68468175-A-G. GRCh37 (hg19) VCF-style: chr10-70227932-A-G.
Other names: short protein forms I130T.
Identifiers: ClinVar variation 2081687 (VCV002081687.4), dbSNP rs2052348460, ClinGen allele CA376829734.

ClinVar aggregate classification (germline): Uncertain significance (1 of 4 stars; one submission).

Submission:

Labcorp Genetics (formerly Invitae), Labcorp
Classification: Uncertain significance. Last evaluated: 2023-12-04. Review status: criteria provided, single submitter. Criteria: Invitae Variant Classification Sherloc (09022015). Collection method: clinical testing. Allele origin: germline.
Comment: This sequence change replaces isoleucine, which is neutral and non-polar, with threonine, which is neutral and polar, at codon 130 of the DNA2 protein (p.Ile130Thr). This variant is not present in population databases (gnomAD no frequency). This variant has not been reported in the literature in individuals affected with DNA2-related conditions. ClinVar contains an entry for this variant (Variation ID: 2081687). Advanced modeling of protein sequence and biophysical properties (such as structural, functional, and spatial information, amino acid conservation, physicochemical variation, residue mobility, and thermodynamic stability) performed at Invitae indicates that this missense variant is expected to disrupt DNA2 protein function with a positive predictive value of 80%. In summary, the available evidence is currently insufficient to determine the role of this variant in disease. Therefore, it has been classified as a Variant of Uncertain Significance.